The following continues an entry in ClinVar:

NM_004004.6(GJB2):c.169C>T (p.Gln57Ter)

Gene: GJB2. ClinVar aggregate classification (germline): Pathogenic. Pathogenic (14).

Submissions 12 to 16 of 16:

ARUP Laboratories, Molecular Genetics and Genomics, ARUP Laboratories
Classification: Pathogenic. Last evaluated: 2017-05-19. Review status: criteria provided, single submitter. Criteria: ARUP Molecular Germline Variant Investigation Process. Collection method: clinical testing. Allele origin: germline.
Comment: The p.Gln57Ter (rs111033297) has been observed in several cohorts of patients with sensorineural hearing loss, many carrying a second pathogenic variant in GJB2 (selected references: Wilcox 1999, Snoeckx 2005, Marlin 2005). This variant introduces a premature termination codon and is predicted to result in a truncated protein product. Consistent with a recessive carrier frequency, it is listed in the Genome Aggregation Database (gnomAD) browser with an overall frequency of 0.004% (identified in 11 out of 276,670 chromosomes). It is also listed in the ClinVar database as pathogenic (Variation ID: 44725). Thus, the p.Gln57Ter variant satisfies our criteria for classification as pathogenic.

Genomic Diagnostic Laboratory, Division of Genomic Diagnostics, Children's Hospital of Philadelphia
Classification: Pathogenic for Deafness, autosomal recessive 1A. Last evaluated: 2017-05-09. Review status: criteria provided, single submitter. Criteria: DGD Variant Analysis Guidelines. Collection method: clinical testing. Allele origin: germline. Affected: yes. Observed: 2 variant alleles.

Laboratory for Molecular Medicine, Mass General Brigham Personalized Medicine
Classification: Pathogenic for Rare genetic deafness. Last evaluated: 2007-10-25. Review status: criteria provided, single submitter. Criteria: LMM Criteria. Collection method: clinical testing. Allele origin: germline. Inheritance: Autosomal recessive inheritance. Observed: 5 variant alleles.
Comment: The Gln57X variant in GJB2 has been reported in at least 20 individuals with hea ring loss (Dodson 2011, Feldmann 2004, Marlin 2005, Roux 2004, Snoeckx 2005, Wil cox 1999). Most of these individuals were homozygous or compound heterozygous. I t has also been identified in 0.007% (9/128912) of European chromosomes by gnomA D. This nonsense variant leads to a premature termination codon at position 57, which is predicted to lead to a truncated or absent protein. Loss of function of the GJB2 gene is an established disease mech anism in autosomal recessive hearing loss. In summary, this variant meets criter ia to be classified as pathogenic for autosomal recessive hearing loss. ACMG/AMP Criteria applied: PVS1, PM3_VeryStrong, PM2.

Counsyl
Classification: Pathogenic for Autosomal recessive nonsyndromic hearing loss 1A. Last evaluated: 2015-10-09. Review status: no assertion criteria provided. Collection method: clinical testing. Allele origin: unknown. Not counted in ClinVar's aggregate classification.

Clinical Molecular Genetics Laboratory, Johns Hopkins All Children's Hospital
Classification: Pathogenic for Hearing loss. Last evaluated: 2009-11-12. Review status: no assertion criteria provided. Collection method: clinical testing. Allele origin: germline. Affected: yes. Not counted in ClinVar's aggregate classification.

Literature cited by the submitters: PubMed 10353784 (cited by 3 submitters); PubMed 21465647 (cited by 3 submitters); PubMed 9482292 (cited by Labcorp Genetics (formerly Invitae), Labcorp); PubMed 16380907 (cited by 4 submitters); PubMed 15150777 (cited by 3 submitters); PubMed 25087612 (cited by Athena Diagnostics); PubMed 15967879 (cited by 4 submitters); PubMed 15547423 (cited by Athena Diagnostics); PubMed 26940866 (cited by Athena Diagnostics); PubMed 17041943 (cited by Athena Diagnostics); PubMed 15365987 (cited by Athena Diagnostics); PubMed 21298644 (cited by Athena Diagnostics); PubMed 18324688 (cited by Athena Diagnostics); PubMed 29106882 (cited by Athena Diagnostics); PubMed 25270357 (cited by Athena Diagnostics); PubMed 20553101 (cited by Athena Diagnostics); PubMed 18196482 (cited by Athena Diagnostics); PubMed 31980526 (cited by Athena Diagnostics); PubMed 29625052 (cited by Athena Diagnostics); PubMed 31589614 (cited by Athena Diagnostics); PubMed 15070423 (cited by Women's Health and Genetics/Laboratory Corporation of America, LabCorp and Laboratory for Molecular Medicine, Mass General Brigham Personalized Medicine); PubMed 10830906 (cited by Women's Health and Genetics/Laboratory Corporation of America, LabCorp).